The following is an entry in ClinVar:

NM_004360.5(CDH1):c.2164+3_2164+6del

Gene: CDH1 (cadherin 1; plus strand). Cytogenetic location: 16q22.1.
Variant type: Microsatellite.
Coding change: c.2164+3_2164+6del on transcript NM_004360.5 (MANE Select); bases 3 to 6 of the intron after coding-DNA position 2164, 4 bases deleted (AAGT; older notation c.2164+3_2164+6delAAGT).
Molecular consequence: splice donor variant.
Genome position (GRCh38, 1-based): chr16:68,823,629-68,823,632, AAGT deleted; deleting any 4 consecutive bases within chr16:68,823,624-68,823,632 gives the same sequence; the c. name uses the placement nearest the transcript's 3' end. VCF-style (leftmost placement, unchanged base first): chr16-68823623-CTAAG-C. GRCh37 (hg19) VCF-style: chr16-68857526-CTAAG-C.
Other names: NC_000016.9:g.68857532_68857535del; c.2164+3_2164+6delAAGT (NM_004360.3); c.616+3_616+6del (NM_001317185.2); c.199+3_199+6del (NM_001317186.2); c.1981+3_1981+6del (NM_001317184.2); c.2164+3_2164+6del (NM_004360.4).
Identifiers: ClinVar variation 532460 (VCV000532460.9), dbSNP rs1415253676, ClinGen allele CA645580205.

ClinVar aggregate classification (germline): Conflicting classifications of pathogenicity. Review status: criteria provided, conflicting classifications (1 of 4 stars). 3 submissions from 3 submitters: Likely pathogenic (1); Uncertain significance (2). Last evaluated 2025-11-10.

Conditions:
Hereditary diffuse gastric adenocarcinoma (HDGC). Also called: DIFFUSE GASTRIC AND LOBULAR BREAST CANCER SYNDROME. Identifiers: Orphanet 26106, MedGen C1708349, MONDO:0007648, OMIM 137215.
Hereditary cancer-predisposing syndrome. Also called: Neoplastic Syndromes, Hereditary; Hereditary neoplastic syndrome; Tumor predisposition; Hereditary Cancer Syndrome. Identifiers: Orphanet 140162, MedGen C0027672, MeSH D009386, MONDO:0015356.

Submissions (4):

Ambry Genetics
Classification: Likely pathogenic for Hereditary cancer-predisposing syndrome. Last evaluated: 2025-11-10. Review status: criteria provided, single submitter. Criteria: Ambry Variant Classification Scheme 2023. Collection method: clinical testing. Allele origin: germline.
Comment: The c.2164+3_2164+6delAAGT intronic variant begins 2 nucleotides after coding exon 13 in the CDH1 gene. This variant results from a deletion of 4 nucleotides at positions c.2164+3 to c.2164+6. This variant was reported in individual(s) with features consistent with CDH1-related diffuse gastric and lobular breast cancer (DGLBC) (Garcia-Pelaez J et al. Lancet Oncol, 2023 Jan;24:91-106). This nucleotide region is well conserved in available vertebrate species. In silico splice site analysis predicts that this alteration will weaken the native splice donor site; however, direct evidence is insufficient at this time (Ambry internal data). Other variant(s) impacting the same donor site (c.2164+2T>A) have been identified in individual(s) with features consistent with CDH1-related diffuse gastric and lobular breast cancer (DGLBC) (Garcia-Pelaez J et al. Lancet Oncol, 2023 Jan;24:91-106, Benusiglio PR et al. J Med Genet, 2013 Jul;50:486-9, Mi EZ et al. Gastrointest Endosc, 2018 Feb;87:408-418, Lee CYC et al. Lancet Oncol, 2023 Jan;24:107-116). This variant is considered to be rare based on population cohorts in the Genome Aggregation Database (gnomAD). Based on the majority of available evidence to date, this variant is likely to be pathogenic.

European Reference Network on Genetic Tumour Risk Syndromes (ERN-GENTURIS), i3s - Instituto de Investigação e Inovação em Saúde, University of Porto
Classification: Uncertain significance for Hereditary diffuse gastric adenocarcinoma. Last evaluated: 2022-08-01. Review status: criteria provided, single submitter. Criteria: Lee et al. (Hum Mutat. 2018). Collection method: clinical testing. Allele origin: germline. Inheritance: Autosomal dominant inheritance. Affected: yes. Study: ERN GENTURIS.
Comment: PS4_Supporting; PM2 (PMID: 30311375)

Labcorp Genetics (formerly Invitae), Labcorp
Classification: Uncertain significance for Hereditary diffuse gastric adenocarcinoma. Last evaluated: 2017-10-03. Review status: criteria provided, single submitter. Criteria: Invitae Variant Classification Sherloc (09022015). Collection method: clinical testing. Allele origin: germline.
Comment: In summary, the available evidence is currently insufficient to determine the role of this variant in disease. Therefore, it has been classified as a Variant of Uncertain Significance. Nucleotide substitutions within the consensus splice site are a relatively common cause of aberrant splicing (PMID: 17576681, 9536098). Algorithms developed to predict the effect of sequence changes on RNA splicing suggest that this variant may disrupt the consensus splice site, but this prediction has not been confirmed by published transcriptional studies. This variant has not been reported in the literature in individuals with CDH1-related disease. This variant is not present in population databases (ExAC no frequency). This sequence change falls in intron 13 of the CDH1 gene. It does not directly change the encoded amino acid sequence of the CDH1 protein, but it affects nucleotides within the consensus splice site of the intron.

Dr. Peter K. Rogan Lab, Western University
No classification provided (evidence only). Condition: Familial cancer of breast. Review status: no classification provided. Collection method: in vitro. Allele origin: not applicable. Functional consequence: skipped exon, retained intron. Not counted in ClinVar's aggregate classification.

Literature cited by the submitters: PubMed 23709761 (cited by Ambry Genetics); PubMed 28688938 (cited by Ambry Genetics); PubMed 36436516 (cited by Ambry Genetics and European Reference Network on Genetic Tumour Risk Syndromes (ERN-GENTURIS), i3s - Instituto de Investigação e Inovação em Saúde, University of Porto); PubMed 36509094 (cited by Ambry Genetics); PubMed 17576681 (cited by Labcorp Genetics (formerly Invitae), Labcorp); PubMed 9536098 (cited by Labcorp Genetics (formerly Invitae), Labcorp).